The following is an entry in ClinVar:

NM_016169.4(SUFU):c.791C>G (p.Ser264Cys)

Gene: SUFU (SUFU negative regulator of hedgehog signaling; plus strand). Cytogenetic location: 10q24.32.
Variant type: single nucleotide variant.
Coding change: c.791C>G on transcript NM_016169.4 (MANE Select); coding-DNA position 791, C replaced by G.
Protein change: p.Ser264Cys; replaces serine 264 with cysteine.
Molecular consequence: missense variant.
Genome position (GRCh38, 1-based): chr10:102,597,174, C>G. VCF-style: chr10-102597174-C-G. GRCh37 (hg19) VCF-style: chr10-104356931-C-G.
Other names: c.791C>G, p.Ser264Cys (NM_001178133.2); short protein forms S264C.
Identifiers: ClinVar variation 1761215 (VCV001761215.8), dbSNP rs2545094062, ClinGen allele CA377910372.

ClinVar aggregate classification (germline): Uncertain significance. Review status: criteria provided, multiple submitters, no conflicts (2 of 4 stars). 2 submissions from 2 submitters: Uncertain significance (2). Last evaluated 2025-11-10.

Conditions:
Medulloblastoma (MDB). Also called: MEDULLOBLASTOMA PREDISPOSITION SYNDROME; Medulloblastoma, somatic. Identifiers: Orphanet 616, MedGen C0025149, MeSH D008527, MONDO:0007959, OMIM 155255, HP:0002885.
Gorlin syndrome. Also called: Nevoid Basal Cell Carcinoma Syndrome; Basal cell nevus syndrome. Identifiers: Orphanet 377, MedGen C0004779, MONDO:0007187.
Hereditary cancer-predisposing syndrome. Also called: Neoplastic Syndromes, Hereditary; Tumor predisposition; Hereditary neoplastic syndrome; Hereditary Cancer Syndrome. Identifiers: Orphanet 140162, MedGen C0027672, MeSH D009386, MONDO:0015356.

Submissions (2):

Labcorp Genetics (formerly Invitae), Labcorp
Classification: Uncertain significance for Gorlin syndrome; Medulloblastoma. Last evaluated: 2025-11-10. Review status: criteria provided, single submitter. Criteria: Invitae Variant Classification Sherloc (09022015). Collection method: clinical testing. Allele origin: germline.
Comment: This sequence change replaces serine, which is neutral and polar, with cysteine, which is neutral and slightly polar, at codon 264 of the SUFU protein (p.Ser264Cys). This variant is not present in population databases (gnomAD no frequency). This variant has not been reported in the literature in individuals affected with SUFU-related conditions. ClinVar contains an entry for this variant (Variation ID: 1761215). Invitae Evidence Modeling of protein sequence and biophysical properties (such as structural, functional, and spatial information, amino acid conservation, physicochemical variation, residue mobility, and thermodynamic stability) indicates that this missense variant is not expected to disrupt SUFU protein function with a negative predictive value of 80%. In summary, the available evidence is currently insufficient to determine the role of this variant in disease. Therefore, it has been classified as a Variant of Uncertain Significance.

Ambry Genetics
Classification: Uncertain significance for Hereditary cancer-predisposing syndrome. Last evaluated: 2024-09-11. Review status: criteria provided, single submitter. Criteria: Ambry Variant Classification Scheme 2023. Collection method: clinical testing. Allele origin: germline.
Comment: The p.S264C variant (also known as c.791C>G), located in coding exon 7 of the SUFU gene, results from a C to G substitution at nucleotide position 791. The serine at codon 264 is replaced by cysteine, an amino acid with dissimilar properties. This amino acid position is highly conserved in available vertebrate species. In addition, this alteration is predicted to be deleterious by in silico analysis. Based on the available evidence, the clinical significance of this variant remains unclear.